The following is an entry in ClinVar:

NM_001374736.1(DST):c.13404T>A (p.Thr4468=)

Gene: DST (dystonin; minus strand). Cytogenetic location: 6p12.1.
Variant type: single nucleotide variant.
Coding change: c.13404T>A on transcript NM_001374736.1 (MANE Select); coding-DNA position 13404, T replaced by A.
Protein change: p.Thr4468=; no amino-acid change (threonine 4468 retained).
Molecular consequence: synonymous variant.
Genome position (GRCh38, 1-based): chr6:56,572,897, A>T on the plus strand (T>A on the coding strand, the complement: DST is on the minus strand). VCF-style: chr6-56572897-A-T. GRCh37 (hg19) VCF-style: chr6-56437695-A-T.
Other names: c.7047T>A, p.Thr2349= (NM_001144769.5); c.6633T>A, p.Thr2211= (NM_001144770.2); c.13404T>A, p.Thr4468= (NM_001374722.1); c.12771T>A, p.Thr4257= (NM_001374729.1); c.6513T>A, p.Thr2171= (NM_001374730.1, NM_001386100.1, NM_183380.4); c.13431T>A, p.Thr4477= (NM_001374734.1); c.5535T>A, p.Thr1845= (NM_015548.5).
Identifiers: ClinVar variation 2931406 (VCV002931406.3), dbSNP rs897985375, ClinGen allele CA139213154.

ClinVar aggregate classification (germline): Uncertain significance (1 of 4 stars; one submission).

Conditions:
Hereditary sensory and autonomic neuropathy type 6. Also called: HSAN VI; Neuropathy, hereditary sensory and autonomic, type VI. Identifiers: Orphanet 314381, MedGen C3539003, MONDO:0013839, OMIM 614653.
Epidermolysis bullosa simplex 3, localized or generalized intermediate, with BP230 deficiency (EBS3). Also called: Epidermolysis bullosa simplex, autosomal recessive 2; Epidermolysis bullosa simplex due to BP230 deficiency. Identifiers: Orphanet 412181, MedGen C3809470, MONDO:0014180, OMIM 615425.

Allele frequency attached by ClinVar (database versions not stated): gnomAD 0.00006; TOPMed 0.00008.
gnomAD v4.1: 14 of 1,613,328 alleles (0.00087%); highest among the groups gnomAD compares: Admixed American, 0.01%; no homozygotes.

Submission:

Labcorp Genetics (formerly Invitae), Labcorp
Classification: Uncertain significance for Epidermolysis bullosa simplex 3, localized or generalized intermediate, with BP230 deficiency; Hereditary sensory and autonomic neuropathy type 6. Last evaluated: 2023-04-18. Review status: criteria provided, single submitter. Criteria: Invitae Variant Classification Sherloc (09022015). Collection method: clinical testing. Allele origin: germline.
Comment: This variant has not been reported in the literature in individuals affected with DST-related conditions. In summary, the available evidence is currently insufficient to determine the role of this variant in disease. Therefore, it has been classified as a Variant of Uncertain Significance. Experimental studies and prediction algorithms are not available or were not evaluated, and the functional significance of this variant is currently unknown. This variant is present in population databases (no rsID available, gnomAD 0.004%). This sequence change affects codon 1845 of the DST mRNA. It is a 'silent' change, meaning that it does not change the encoded amino acid sequence of the DST protein. The DST gene has multiple clinically relevant transcripts. This variant occurs in alternate transcript NM_015548.4, and corresponds to NM_001723.5:c.*42620T>A in the primary transcript.